The following is an entry in ClinVar:

ClinVar aggregate classification (germline): Likely benign. Review status: criteria provided, multiple submitters, no conflicts (2 of 4 stars). 3 submissions from 3 submitters: Likely benign (3). Last evaluated 2025-09-03.

Conditions:
Regional enteritis. Also called: Enteritis, Granulomatous. Identifiers: MedGen C0678202, MeSH D003424.
Blau syndrome (BLAUS). Also called: GRANULOMATOSIS, FAMILIAL JUVENILE SYSTEMIC; GRANULOMATOSIS, FAMILIAL, BLAU TYPE; GRANULOMATOUS INFLAMMATORY ARTHRITIS, DERMATITIS, AND UVEITIS, FAMILIAL; ARTHROCUTANEOUVEAL GRANULOMATOSIS; JABS SYNDROME. Identifiers: Orphanet 90340, MedGen C5201146, MONDO:0008523, OMIM 186580.

Allele frequency attached by ClinVar (database versions not stated): gnomAD 0.00001 and 0.00003; gnomAD exomes 0.00001 and 0.00003; ExAC 0.00003; TOPMed 0.00003; ESP Exome Variant Server 0.00015.
gnomAD v4.1: 31 of 1,612,298 alleles (0.0019%); highest among the groups gnomAD compares: Middle Eastern, 0.066%; no homozygotes.

Submissions (3):

Labcorp Genetics (formerly Invitae), Labcorp
Classification: Likely benign for Regional enteritis; Blau syndrome. Last evaluated: 2025-09-03. Review status: criteria provided, single submitter. Criteria: Invitae Variant Classification Sherloc (09022015). Collection method: clinical testing. Allele origin: germline.

CeGaT Center for Human Genetics Tuebingen
Classification: Likely benign. Last evaluated: 2024-09-01. Review status: criteria provided, single submitter. Criteria: CeGaT Center For Human Genetics Tuebingen Variant Classification Criteria Version 2. Collection method: clinical testing. Allele origin: germline. Affected: yes. Observed: 1 variant allele.
Comment: NOD2: BP4

ARUP Laboratories, Molecular Genetics and Genomics, ARUP Laboratories
Classification: Likely benign. Last evaluated: 2021-09-18. Review status: criteria provided, single submitter. Criteria: ARUP Molecular Germline Variant Investigation Process 2021. Collection method: clinical testing. Allele origin: germline.

NM_001370466.1(NOD2):c.1563G>A (p.Leu521=)

Gene: NOD2 (nucleotide binding oligomerization domain containing 2; plus strand). Cytogenetic location: 16q12.1.
Variant type: single nucleotide variant.
Coding change: c.1563G>A on transcript NM_001370466.1 (MANE Select); coding-DNA position 1563, G replaced by A.
Protein change: p.Leu521=; no amino-acid change (leucine 521 retained).
Molecular consequence: synonymous variant. On other transcripts: non-coding transcript variant (1).
Genome position (GRCh38, 1-based): chr16:50,711,555, G>A. VCF-style: chr16-50711555-G-A. GRCh37 (hg19) VCF-style: chr16-50745466-G-A.
Other names: c.1563G>A, p.Leu521= (NM_001293557.2); c.1644G>A, p.Leu548= (NM_022162.3).
Identifiers: ClinVar variation 759339 (VCV000759339.30), dbSNP rs369085294, ClinGen allele CA8051602.
Genomic context (GRCh38, chr16:50,711,555, plus strand): 5'-AGACTCAGCTTCCCAAGGTCTGGGACCCAGTCTTCTTCGGGGCCGCCTCCCCACCCTCCT[G>A]CACCTGGGCAGACTGGCTCTGTGGGGCCTGGGCATGTGCTGCTACGTGTTCTCAGCCCAG-3'
Protein context (NP_001357395.1, residues 511-531): SLLRGRLPTL[Leu521=]HLGRLALWGL